The following is an entry in ClinVar:

ClinVar aggregate classification (germline): Uncertain significance (1 of 4 stars; one submission).

Conditions:
Polycystic kidney disease, adult type (PKD1). Also called: POLYCYSTIC KIDNEY DISEASE 1 WITH OR WITHOUT POLYCYSTIC LIVER DISEASE; Polycystic Kidney Disease 1, Autosomal Dominant; Polycystic kidney disease 1; Polycystic kidney disease 1, severe; Polycystic Kidney, Autosomal Dominant; POLYCYSTIC KIDNEY DISEASE, ADULT, TYPE I. Identifiers: MedGen C3149841, MONDO:0008263, OMIM 173900.

Allele frequency attached by ClinVar (database versions not stated): ExAC 0.00001; gnomAD exomes 0.00001; gnomAD 0.00002; TOPMed 0.00003.

Submission:

Neuberg Centre For Genomic Medicine, NCGM
Classification: Uncertain significance for Polycystic kidney disease, adult type. Review status: criteria provided, single submitter. Criteria: ACMG Guidelines, 2015. Collection method: clinical testing. Allele origin: germline. Inheritance: Autosomal dominant inheritance. Affected: yes.
Comment: The missense c.1297C>T (p.Pro433Ser) variant in SLC7A9 gene has not been reported previously as a pathogenic variant nor as a benign variant, to our knowledge. The variant is observed in 0.001% alleles in gnomAD Exomes and is novel (not in any individuals) in 1000 Genomes. The amino acid Pro at position 433 is changed to a Ser changing protein sequence and it might alter its composition and physico-chemical properties. The amino acid change p.Pro433Ser in SLC7A9 is predicted as conserved by GERP++ and PhyloP across 100 vertebrates.For these reasons, this variant has been classified as Uncertain Significance

NM_014270.5(SLC7A9):c.1297C>T (p.Pro433Ser)

Gene: SLC7A9 (solute carrier family 7 member 9; minus strand). Cytogenetic location: 19q13.11.
Variant type: single nucleotide variant.
Coding change: c.1297C>T on transcript NM_014270.5 (MANE Select); coding-DNA position 1297, C replaced by T.
Protein change: p.Pro433Ser; replaces proline 433 with serine.
Molecular consequence: missense variant.
Genome position (GRCh38, 1-based): chr19:32,833,251, G>A on the plus strand (C>T on the coding strand, the complement: SLC7A9 is on the minus strand). VCF-style: chr19-32833251-G-A. GRCh37 (hg19) VCF-style: chr19-33324157-G-A.
Other names: c.1297C>T, p.Pro433Ser (NM_001126335.2, NM_001243036.2); short protein forms P433S.
Identifiers: ClinVar variation 2585074 (VCV002585074.1), dbSNP rs747049300, ClinGen allele CA9358438.